The following is an entry in ClinVar:

ClinVar aggregate classification (germline): Uncertain significance (1 of 4 stars; one submission).

Submission:

Ambry Genetics
Classification: Uncertain significance. Last evaluated: 2026-04-28. Review status: criteria provided, single submitter. Criteria: Ambry Variant Classification Scheme 2023. Collection method: clinical testing. Allele origin: germline.
Comment: The p.N118D variant (also known as c.352A>G), located in coding exon 4 of the RINT1 gene, results from an A to G substitution at nucleotide position 352. The asparagine at codon 118 is replaced by aspartic acid, an amino acid with highly similar properties. This amino acid position is conserved. In addition, this alteration is predicted to be tolerated by in silico analysis. Based on the available evidence, the clinical significance of this variant remains unclear.

NM_021930.6(RINT1):c.352A>G (p.Asn118Asp)

Gene: RINT1 (RAD50 interactor 1; plus strand). Cytogenetic location: 7q22.3.
Variant type: single nucleotide variant.
Coding change: c.352A>G on transcript NM_021930.6 (MANE Select); coding-DNA position 352, A replaced by G.
Protein change: p.Asn118Asp; replaces asparagine 118 with aspartic acid.
Molecular consequence: missense variant. On other transcripts: 5 prime UTR variant (3), non-coding transcript variant (1).
Genome position (GRCh38, 1-based): chr7:105,542,486, A>G. VCF-style: chr7-105542486-A-G. GRCh37 (hg19) VCF-style: chr7-105182933-A-G.
Other names: c.118A>G, p.Asn40Asp (NM_001346599.2); c.-668A>G (NM_001346600.2); c.-571A>G (NM_001346601.2); c.-191A>G (NM_001346603.2); short protein forms N118D, N40D.
Identifiers: ClinVar variation 4863333 (VCV004863333.1).